The following is an entry in ClinVar:

ClinVar aggregate classification (germline): Uncertain significance. Review status: criteria provided, multiple submitters, no conflicts (2 of 4 stars). 3 submissions from 3 submitters: Uncertain significance (3). Last evaluated 2025-09-18.

Conditions:
Inborn genetic diseases. Identifiers: MedGen C0950123, MeSH D030342.
MEOX1-related disorder. Also called: MEOX1-related condition.

Allele frequency attached by ClinVar (database versions not stated): TOPMed 0.00003; gnomAD 0.00004 and 0.00009; gnomAD exomes 0.00004 and 0.00005; ExAC 0.00007; ESP Exome Variant Server 0.00008; 1000 Genomes Project 30x 0.00016; 1000 Genomes Project 0.00020.
gnomAD v4.1: 75 of 1,609,258 alleles (0.0047%); highest among the groups gnomAD compares: East Asian, 0.025%; no homozygotes.

Submissions (3):

PreventionGenetics, part of Exact Sciences
Classification: Uncertain significance for MEOX1-related condition. Last evaluated: 2025-09-18. Review status: criteria provided, single submitter. Criteria: ACMG Guidelines, 2015. Collection method: clinical testing. Allele origin: germline.
Comment: The MEOX1 c.317A>C variant is predicted to result in the amino acid substitution p.Asn106Thr. To our knowledge, this variant has not been reported in the literature. This variant is reported in 0.041% of alleles in individuals of Ashkenazi Jewish descent in gnomAD. At this time, the clinical significance of this variant is uncertain due to the absence of conclusive functional and genetic evidence.

Ambry Genetics
Classification: Uncertain significance for Inborn genetic diseases. Last evaluated: 2025-07-15. Review status: criteria provided, single submitter. Criteria: Ambry Variant Classification Scheme 2023. Collection method: clinical testing. Allele origin: germline.

Labcorp Genetics (formerly Invitae), Labcorp
Classification: Uncertain significance. Last evaluated: 2025-04-20. Review status: criteria provided, single submitter. Criteria: Invitae Variant Classification Sherloc (09022015). Collection method: clinical testing. Allele origin: germline.
Comment: This sequence change replaces asparagine, which is neutral and polar, with threonine, which is neutral and polar, at codon 106 of the MEOX1 protein (p.Asn106Thr). This variant is present in population databases (rs146876154, gnomAD 0.04%). This variant has not been reported in the literature in individuals affected with MEOX1-related conditions. ClinVar contains an entry for this variant (Variation ID: 1362100). An algorithm developed to predict the effect of missense changes on protein structure and function outputs the following: PolyPhen-2: "Benign". The threonine amino acid residue is found in multiple mammalian species, which suggests that this missense change does not adversely affect protein function. In summary, the available evidence is currently insufficient to determine the role of this variant in disease. Therefore, it has been classified as a Variant of Uncertain Significance.

NM_004527.4(MEOX1):c.317A>C (p.Asn106Thr)

Gene: MEOX1 (mesenchyme homeobox 1; minus strand). Cytogenetic location: 17q21.31.
Variant type: single nucleotide variant.
Coding change: c.317A>C on transcript NM_004527.4 (MANE Select); coding-DNA position 317, A replaced by C.
Protein change: p.Asn106Thr; replaces asparagine 106 with threonine.
Molecular consequence: missense variant. On other transcripts: 5 prime UTR variant (1).
Genome position (GRCh38, 1-based): chr17:43,661,218, T>G on the plus strand (A>C on the coding strand, the complement: MEOX1 is on the minus strand). VCF-style: chr17-43661218-T-G. GRCh37 (hg19) VCF-style: chr17-41738586-T-G.
Other names: c.-29A>C (NM_001040002.2); c.317A>C, p.Asn106Thr (NM_013999.4); c.317A>C (NM_004527.3); short protein forms N106T.
Identifiers: ClinVar variation 1362100 (VCV001362100.8), dbSNP rs146876154, ClinGen allele CA8592655.